The following is an entry in ClinVar:

NM_000169.3(GLA):c.35_47del (p.Cys12fs)

Genes: GLA (galactosidase alpha; minus strand), RPL36A-HNRNPH2 (RPL36A-HNRNPH2 readthrough; plus strand). Cytogenetic location: Xq22.1.
Variant type: Deletion.
Coding change: c.35_47del on transcript NM_000169.3 (MANE Select); coding-DNA positions 35 to 47, 13 bases deleted (GCGCGCTTGCGCT).
Protein change: p.Cys12fs; shifts the reading frame from cysteine 12.
Molecular consequence: frameshift variant. On other transcripts: non-coding transcript variant (3), intron variant (2).
Genome position (GRCh38, 1-based): chrX:101,407,857-101,407,869, AGCGCAAGCGCGC deleted on the plus strand (GCGCGCTTGCGCT on the coding strand, the reverse complement: GLA is on the minus strand); deleting any 13 consecutive bases within chrX:101,407,857-101,407,872 gives the same sequence; the c. name uses the placement nearest the transcript's 3' end. VCF-style (leftmost placement, unchanged base first): chrX-101407856-AAGCGCAAGCGCGC-A. GRCh37 (hg19) VCF-style: chrX-100662844-AAGCGCAAGCGCGC-A.
Other names: c.35_47del, p.Cys12fs (NM_001406747.1, NM_001406748.1, NM_001406749.1); c.301-4076_301-4064del (NM_001199973.2); c.178-4076_178-4064del (NM_001199974.2); short protein forms C12fs.
Identifiers: ClinVar variation 4974881 (VCV004974881.1).

ClinVar aggregate classification (germline): Pathogenic (1 of 4 stars; one submission).

Conditions:
Fabry disease. Also called: Fabry's disease; ALPHA-GALACTOSIDASE A DEFICIENCY; ANDERSON-FABRY DISEASE; CERAMIDE TRIHEXOSIDASE DEFICIENCY; GLA DEFICIENCY; HEREDITARY DYSTOPIC LIPIDOSIS. Identifiers: Orphanet 324, MedGen C0002986, MONDO:0010526, OMIM 301500, HP:0001071. Disease mechanism: Fabry disease is due to inactivating mutations in the X-linked GLA gene resulting in deficiency of the enzyme Alpha Galactosidase-A., loss of function.

Submission:

Genomenon, Inc
Classification: Pathogenic for Fabry disease. Last evaluated: 2026-09-08. Review status: criteria provided, single submitter. Criteria: Genomenon Sequence Variant Interpretation Standards - Updated. Collection method: curation. Allele origin: germline. Affected: yes.
Comment: GLA p.Cys12PhefsTer105 (c.35_47del) is a frameshift variant that is predicted to introduce a premature termination codon and result in a truncated or absent protein product. This variant has been observed in at least one proband with clinical features consistent with Fabry disease (PMID:20022777;26252393;10666480). It is absent or not present at a significant frequency in gnomAD. In conclusion, we classify GLA p.Cys12PhefsTer105 (c.35_47del) as a pathogenic variant.

Literature cited by the submitters: PubMed 20022777; PubMed 26252393; PubMed 10666480.